The following is an entry in ClinVar:

ClinVar aggregate classification (germline): Uncertain significance (1 of 4 stars; one submission).

Conditions:
Arrhythmogenic right ventricular dysplasia 9 (ARVD9). Also called: Arrhythmogenic Right Ventricular Dysplasia/Cardiomyopathy 9; ARRHYTHMOGENIC RIGHT VENTRICULAR DYSPLASIA, FAMILIAL, 9. Identifiers: MedGen C1836906, MONDO:0012180, OMIM 609040.

Allele frequency attached by ClinVar (database versions not stated): gnomAD exomes 0.00001.
gnomAD v4.1: 8 of 1,500,938 alleles (0.00053%); highest among the groups gnomAD compares: Non-Finnish European, 0.00062%; no homozygotes.

Submission:

Labcorp Genetics (formerly Invitae), Labcorp
Classification: Uncertain significance for Arrhythmogenic right ventricular dysplasia 9. Last evaluated: 2024-12-27. Review status: criteria provided, single submitter. Criteria: Invitae Variant Classification Sherloc (09022015). Collection method: clinical testing. Allele origin: germline.
Comment: This sequence change falls in intron 1 of the PKP2 gene. It does not directly change the encoded amino acid sequence of the PKP2 protein. It affects a nucleotide within the consensus splice site. This variant is present in population databases (no rsID available, gnomAD 0.001%). This variant has been observed in individual(s) with arrhythmogenic cardiomyopathy (PMID: 35819174). ClinVar contains an entry for this variant (Variation ID: 464423). Variants that disrupt the consensus splice site are a relatively common cause of aberrant splicing (PMID: 17576681, 9536098). Algorithms developed to predict the effect of sequence changes on RNA splicing suggest that this variant is not likely to affect RNA splicing. In summary, the available evidence is currently insufficient to determine the role of this variant in disease. Therefore, it has been classified as a Variant of Uncertain Significance.

Literature cited by the submitters: PubMed 35819174; PubMed 17576681; PubMed 9536098.

NM_001005242.3(PKP2):c.223+6T>G

Gene: PKP2 (plakophilin 2; minus strand). Cytogenetic location: 12p11.21.
Variant type: single nucleotide variant.
Coding change: c.223+6T>G on transcript NM_001005242.3 (MANE Select); 6 bases into the intron after coding-DNA position 223, T replaced by G.
Molecular consequence: intron variant.
Genome position (GRCh38, 1-based): chr12:32,896,503, A>C on the plus strand (T>G on the coding strand, the complement: PKP2 is on the minus strand). VCF-style: chr12-32896503-A-C. GRCh37 (hg19) VCF-style: chr12-33049437-A-C.
Other names: c.223+6T>G (NM_004572.4).
Identifiers: ClinVar variation 464423 (VCV000464423.6), dbSNP rs755600420, ClinGen allele CA604480698.